The following is an entry in ClinVar:

ClinVar aggregate classification (germline): Uncertain significance (1 of 4 stars; one submission).

Conditions:
Luscan-Lumish syndrome. Identifiers: Orphanet 597738, MedGen C4085873, MONDO:0014791, OMIM 616831.

Submission:

Labcorp Genetics (formerly Invitae), Labcorp
Classification: Uncertain significance for Luscan-Lumish syndrome. Last evaluated: 2022-08-16. Review status: criteria provided, single submitter. Criteria: Invitae Variant Classification Sherloc (09022015). Collection method: clinical testing. Allele origin: germline.
Comment: In summary, the available evidence is currently insufficient to determine the role of this variant in disease. Therefore, it has been classified as a Variant of Uncertain Significance. Algorithms developed to predict the effect of missense changes on protein structure and function are either unavailable or do not agree on the potential impact of this missense change (SIFT: "Deleterious"; PolyPhen-2: "Probably Damaging"; Align-GVGD: "Class C0"). This variant is not present in population databases (gnomAD no frequency). This variant has not been reported in the literature in individuals affected with SETD2-related conditions. ClinVar contains an entry for this variant (Variation ID: 853367). This sequence change replaces valine, which is neutral and non-polar, with methionine, which is neutral and non-polar, at codon 2210 of the SETD2 protein (p.Val2210Met).

NM_014159.7(SETD2):c.6628G>A (p.Val2210Met)

Gene: SETD2 (SET domain containing 2, histone lysine methyltransferase; minus strand). Cytogenetic location: 3p21.31.
Variant type: single nucleotide variant.
Coding change: c.6628G>A on transcript NM_014159.7 (MANE Select); coding-DNA position 6628, G replaced by A.
Protein change: p.Val2210Met; replaces valine 2210 with methionine.
Molecular consequence: missense variant. On other transcripts: non-coding transcript variant (1).
Genome position (GRCh38, 1-based): chr3:47,057,156, C>T on the plus strand (G>A on the coding strand, the complement: SETD2 is on the minus strand). VCF-style: chr3-47057156-C-T. GRCh37 (hg19) VCF-style: chr3-47098646-C-T.
Other names: c.6496G>A, p.Val2166Met (NM_001349370.3); short protein forms V2210M, V2166M.
Identifiers: ClinVar variation 853367 (VCV000853367.6), dbSNP rs2040119851, ClinGen allele CA352520469.